The following is an entry in ClinVar:

ClinVar aggregate classification (germline): Likely benign. Review status: criteria provided, multiple submitters, no conflicts (2 of 4 stars). 2 submissions from 2 submitters: Likely benign (2). Last evaluated 2025-07-31.

Conditions:
CDH23-related disorder. Also called: CDH23-related condition; CDH23-related disorders.

Allele frequency attached by ClinVar (database versions not stated): ExAC 0.00002; TOPMed 0.00002; gnomAD 0.00004 and 0.00005; 1000 Genomes Project 30x 0.00016; 1000 Genomes Project 0.00020.
gnomAD v4.1: 22 of 1,613,954 alleles (0.0014%); highest among the groups gnomAD compares: East Asian, 0.018%; no homozygotes.

Submissions (2):

Labcorp Genetics (formerly Invitae), Labcorp
Classification: Likely benign. Last evaluated: 2025-07-31. Review status: criteria provided, single submitter. Criteria: Invitae Variant Classification Sherloc (09022015). Collection method: clinical testing. Allele origin: germline.

PreventionGenetics, part of Exact Sciences
Classification: Likely benign for CDH23-related condition. Last evaluated: 2024-10-21. Review status: criteria provided, single submitter. Criteria: ACMG Guidelines, 2015. Collection method: clinical testing. Allele origin: germline.
Comment: This variant is classified as likely benign based on ACMG/AMP sequence variant interpretation guidelines (Richards et al. 2015 PMID: 25741868, with internal and published modifications).

NM_022124.6(CDH23):c.909C>T (p.Asn303=)

Gene: CDH23 (cadherin related 23; plus strand). Cytogenetic location: 10q22.1.
Variant type: single nucleotide variant.
Coding change: c.909C>T on transcript NM_022124.6 (MANE Select); coding-DNA position 909, C replaced by T.
Protein change: p.Asn303=; no amino-acid change (asparagine 303 retained).
Molecular consequence: synonymous variant.
Genome position (GRCh38, 1-based): chr10:71,615,580, C>T. VCF-style: chr10-71615580-C-T. GRCh37 (hg19) VCF-style: chr10-73375337-C-T.
Other names: c.909C>T (NM_022124.5); c.909C>T, p.Asn303= (NM_001171930.2, NM_001171931.2, NM_001171932.2 and 1 more transcripts).
Identifiers: ClinVar variation 1152299 (VCV001152299.10), dbSNP rs201884566, ClinGen allele CA5543587.